The following is an entry in ClinVar:

NM_001080477.4(TENM3):c.6373del (p.Thr2125fs)

Gene: TENM3 (teneurin transmembrane protein 3; plus strand). Cytogenetic location: 4q35.1.
Variant type: Deletion.
Coding change: c.6373del on transcript NM_001080477.4 (MANE Select); coding-DNA position 6373, one base deleted (A; older notation c.6373delA).
Protein change: p.Thr2125fs; shifts the reading frame from threonine 2125.
Molecular consequence: frameshift variant.
Genome position (GRCh38, 1-based): chr4:182,793,045, A deleted. VCF-style (leftmost placement, unchanged base first): chr4-182793044-CA-C. GRCh37 (hg19) VCF-style: chr4-183714197-CA-C.
Other names: c.5605del, p.Thr1869fs (NM_001415960.1); c.5578del, p.Thr1860fs (NM_001415961.1); c.5575del, p.Thr1859fs (NM_001415962.1); c.5557del, p.Thr1853fs (NM_001415963.1); c.5554del, p.Thr1852fs (NM_001415964.1); c.6091del, p.Thr2031fs (NM_001415966.1); c.6115del, p.Thr2039fs (NM_001415967.1); c.6391del, p.Thr2131fs (NM_001415968.1); and 4 more; short protein forms T1852fs, T1853fs, T1859fs, T1860fs, T1869fs, T2031fs, T2032fs, T2039fs.
Identifiers: ClinVar variation 5037723 (VCV005037723.1).

ClinVar aggregate classification (germline): Pathogenic (1 of 4 stars; one submission).

Submission:

GeneDx
Classification: Pathogenic. Last evaluated: 2026-04-19. Review status: criteria provided, single submitter. Criteria: GeneDx Variant Classification Process June 2021. Collection method: clinical testing. Allele origin: germline.
Comment: Frameshift variant predicted to result in protein truncation or nonsense mediated decay in a gene for which loss of function is a known mechanism of disease; Not observed at significant frequency in large population cohorts (gnomAD); Has not been previously published as pathogenic or benign to our knowledge